The following is an entry in ClinVar:

NM_000371.4(TTR):c.370C>T (p.Arg124Cys)

Gene: TTR (transthyretin; plus strand). Cytogenetic location: 18q12.1.
Variant type: single nucleotide variant.
Coding change: c.370C>T on transcript NM_000371.4 (MANE Select); coding-DNA position 370, C replaced by T.
Protein change: p.Arg124Cys; replaces arginine 124 with cysteine.
Molecular consequence: missense variant.
Genome position (GRCh38, 1-based): chr18:31,598,601, C>T. VCF-style: chr18-31598601-C-T. GRCh37 (hg19) VCF-style: chr18-29178564-C-T.
Other names: p.Arg124Cys; short protein forms R124C.
Identifiers: ClinVar variation 404412 (VCV000404412.36), dbSNP rs745834030, ClinGen allele CA8928504.
Genomic context (GRCh38, chr18:31,598,601, plus strand): 5'-AATGGATCTGTCTGTCTTCTCTCATAGGTGGTATTCACAGCCAACGACTCCGGCCCCCGC[C>T]GCTACACCATTGCCGCCCTGCTGAGCCCCTACTCCTATTCCACCACGGCTGTCGTCACCA-3'
Protein context (NP_000362.1, residues 114-134): VFTANDSGPR[Arg124Cys]YTIAALLSPY

ClinVar aggregate classification (germline): Uncertain significance. Review status: criteria provided, multiple submitters, no conflicts (2 of 4 stars). 13 submissions from 13 submitters: Uncertain significance (13). Last evaluated 2026-09-23.

Conditions:
Cardiomyopathy (CMYO). Also called: Cardiomyopathies. Identifiers: Orphanet 167848, MedGen C0878544, MONDO:0004994, HP:0001638. Inheritance: Various modes of inheritance.
Amyloidosis, hereditary systemic 1 (AMYLD1). Also called: Transthyretin Amyloidosis; AMYLOID CARDIOMYOPATHY; Hereditary Transthyretin Amyloidosis; Isolated Cardiac Amyloidosis; Amyloid Cardiomyopathy, Transthyretin-related; Familial amyloid polyneuropathy. Identifiers: Orphanet 85447, Orphanet 85451, MedGen C2751492, MONDO:0971004, OMIM 105210.
TTR-related disorder. Also called: TTR-related condition; TTR-related disorders.
Hyperthyroxinemia, dystransthyretinemic. Also called: EUTHRYROIDAL HYPERTHYROXINEMIA 2; HYPERTHYROXINEMIA, DYSPREALBUMINEMIC. Identifiers: MedGen C2750824, MONDO:0007785, OMIM 145680.
Carpal tunnel syndrome 1 (CTS1). Also called: Carpal tunnel syndrome, familial. Identifiers: MedGen C5779776, MONDO:0020730, OMIM 115430.
Cardiovascular phenotype. Identifiers: MedGen CN230736.
Brugada syndrome. Also called: Sudden Unexplained Death Syndrome; Sudden Unexplained Nocturnal Death Syndrome (SUNDS); Sudden unexpected nocturnal death syndrome; Sudden unexplained nocturnal death syndrome. Identifiers: Orphanet 130, MedGen C1142166, MONDO:0015263.
Charcot-Marie-Tooth disease. Also called: Charcot-Marie-Tooth Hereditary Neuropathy; Charcot-Marie-Tooth Neuropathy. Identifiers: Orphanet 166, MedGen C0007959, MONDO:0015626.
Conduction disorder of the heart. Also called: Cardiac conduction defect. Identifiers: Orphanet 871, MedGen C0264886, MONDO:0100042, OMIM 115080.

Allele frequency attached by ClinVar (database versions not stated): gnomAD 0.00003 and 0.00005; ExAC 0.00004; gnomAD exomes 0.00002 and 0.00005; TOPMed 0.00004.
gnomAD v4.1: 40 of 1,614,076 alleles (0.0025%); highest among the groups gnomAD compares: East Asian, 0.025%; no homozygotes.

Submissions (13):

GeneDx
Classification: Uncertain significance. Last evaluated: 2026-09-23. Review status: criteria provided, single submitter. Criteria: GeneDx Variant Classification Process June 2021. Collection method: clinical testing. Allele origin: germline.
Comment: Reported in a patient with cardiac amyloidosis and a patient with CMT in the published literature (PMID: 31371117, 32376792); Identified in an individual with sensory axonal neuropathy in the published literature (Torres, M. F., Serra, J., Ochoa, J. L., & Saraiva, M. J. (1996). A new transthyretin (TTR) variant-TTR cysteine 104. Neuromuscular Disorders, 6, S21); In vitro functional studies showed p.(R124C) exhibited lower light emission than WT and non-aggregate TTR properties (PMID: 35903975); In silico analysis suggests that this missense variant does not alter protein structure/function; Also known as Cys104; This variant is associated with the following publications: (PMID: 32376792, 33192475, 35903975, 31371117, 34380564)

PreventionGenetics, part of Exact Sciences
Classification: Uncertain significance for TTR-related condition. Last evaluated: 2026-06-29. Review status: criteria provided, single submitter. Criteria: ACMG Guidelines, 2015. Collection method: clinical testing. Allele origin: germline.
Comment: The TTR c.370C>T variant is predicted to result in the amino acid substitution p.Arg124Cys. This variant is also referred to as p.Arg104Cys using legacy nomenclature. This variant has been reported in individuals with cardiac amyloidosis, hypertrophic cardiomyopathy, or sensory axonal peripheral neuropathy (Saraiva et al. 1999. PubMed ID: 10439123; Table S3, Mazzarotto et al. 2018. PubMed ID: 29875424; Maurizi et al. 2019. PubMed ID: 31371117). However, functional studies showed that this variant does not have increased amyloidogenicity (Grether et al. 2022. PubMed ID: 35903975). This variant is reported in 0.040% of alleles in individuals of East Asian descent in gnomAD. At this time, the clinical significance of this variant is uncertain due to the absence of conclusive functional and genetic evidence.

Labcorp Genetics (formerly Invitae), Labcorp
Classification: Uncertain significance for Amyloidosis, hereditary systemic 1. Last evaluated: 2026-01-10. Review status: criteria provided, single submitter. Criteria: Invitae Variant Classification Sherloc (09022015). Collection method: clinical testing. Allele origin: germline.
Comment: This sequence change replaces arginine, which is basic and polar, with cysteine, which is neutral and slightly polar, at codon 124 of the TTR protein (p.Arg124Cys). This variant is present in population databases (rs745834030, gnomAD 0.04%), and has an allele count higher than expected for a pathogenic variant. This missense change has been observed in individual(s) with cardiac amyloidosis and/or sensory axonal neuropathy (PMID: 10439123, 31371117). This variant is also known as Arg104Cys. ClinVar contains an entry for this variant (Variation ID: 404412). Invitae Evidence Modeling of protein sequence and biophysical properties (such as structural, functional, and spatial information, amino acid conservation, physicochemical variation, residue mobility, and thermodynamic stability) indicates that this missense variant is expected to disrupt TTR protein function with a positive predictive value of 80%. In summary, the available evidence is currently insufficient to determine the role of this variant in disease. Therefore, it has been classified as a Variant of Uncertain Significance.

Mayo Clinic Laboratories, Mayo Clinic
Classification: Uncertain significance. Last evaluated: 2025-06-09. Review status: criteria provided, single submitter. Criteria: ACMG Guidelines, 2015. Collection method: clinical testing. Allele origin: germline. Observed: 1 variant allele.
Comment: BS3, PP2, PM2_supporting

Women's Health and Genetics/Laboratory Corporation of America, LabCorp
Classification: Uncertain significance. Last evaluated: 2025-04-30. Review status: criteria provided, single submitter. Criteria: LabCorp Variant Classification Summary - May 2015. Collection method: clinical testing. Allele origin: germline.
Comment: Variant summary: TTR c.370C>T (p.Arg124Cys) results in a non-conservative amino acid change located in the Transthyretin/hydroxyisourate hydrolase domain (IPR023416) of the encoded protein sequence. Four of five in-silico tools predict a damaging effect of the variant on protein function. The variant allele was found at a frequency of 2.5e-05 in 1614076 control chromosomes, predominantly at a frequency of 0.00024 within the East Asian subpopulation in the gnomAD database. The observed variant frequency within East Asian control individuals in the gnomAD database is approximately 8 fold of the estimated maximal expected allele frequency for a pathogenic variant in TTR causing Transthyretin Amyloidosis phenotype (3.1e-05). c.370C>T has been reported in the literature in individuals with clinical features of TTR-related contions (e.g., Saraiva_1999; Maurizi_2020). It has also been identified as a variant of uncertain significance in 6 individuals from a whole exome cohort with unclear phenotypes (e.g., Abouelhoda_2021). To our knowledge, no experimental evidence demonstrating an impact on protein function has been reported. The following publications have been ascertained in the context of this evaluation (PMID: 31371117, 10439123, 34380564). ClinVar contains an entry for this variant (Variation ID: 404412). Based on the evidence outlined above, the variant was classified as VUS-possibly benign.

Ambry Genetics
Classification: Uncertain significance for Cardiovascular phenotype. Last evaluated: 2025-03-25. Review status: criteria provided, single submitter. Criteria: Ambry Variant Classification Scheme 2023. Collection method: clinical testing. Allele origin: germline.
Comment: The p.R124C variant (also known as c.370C>T), located in coding exon 4 of the TTR gene, results from a C to T substitution at nucleotide position 370. The arginine at codon 124 is replaced by cysteine, an amino acid with highly dissimilar properties. This alteration, which is also known as p.R104C, has been reported in a hypertrophic cardiomyopathy (HCM) cohort (Mazzarotto F et al. Genet Med, 2019 02;21:284-292; Maurizi N et al. Int J Cardiol, 2020 02;300:191-195). Additionally, this alteration was detected in an individual with neuropathy who was not found to have amyloid deposits in muscle or nerve biopsies, and an in vitro assay showed this alteration may not impact protein function (Grether NB et al. Ann Clin Transl Neurol, 2022 08;9:1252-1263). This amino acid position is poorly conserved in available vertebrate species. In addition, the in silico prediction for this alteration is inconclusive. Since supporting evidence is limited at this time, the clinical significance of this alteration remains unclear.

Blueprint Genetics
Classification: Uncertain significance. Last evaluated: 2024-09-19. Review status: criteria provided, single submitter. Criteria: ACMG Guidelines, 2015. Collection method: clinical testing. Allele origin: germline.

Fulgent Genetics
Classification: Uncertain significance for Amyloidosis, hereditary systemic 1; Carpal tunnel syndrome 1; Hyperthyroxinemia, dystransthyretinemic. Last evaluated: 2024-03-08. Review status: criteria provided, single submitter. Criteria: ACMG Guidelines, 2015. Collection method: clinical testing. Allele origin: germline.

CHEO Genetics Diagnostic Laboratory, Children's Hospital of Eastern Ontario
Classification: Uncertain significance for Cardiomyopathy. Last evaluated: 2021-11-02. Review status: criteria provided, single submitter. Criteria: ACMG Guidelines, 2015. Collection method: clinical testing. Allele origin: germline.

Molecular Diagnostic Laboratory for Inherited Cardiovascular Disease, Montreal Heart Institute
Classification: Uncertain significance for Conduction disorder of the heart. Last evaluated: 2019-10-22. Review status: criteria provided, single submitter. Criteria: ACMG Guidelines, 2015. Collection method: clinical testing. Allele origin: germline. Affected: yes.

Center for Advanced Laboratory Medicine, UC San Diego Health, University of California San Diego
Classification: Uncertain significance for Brugada syndrome. Last evaluated: 2019-01-17. Review status: criteria provided, single submitter. Criteria: ACMG Guidelines, 2015. Collection method: clinical testing. Allele origin: germline. Affected: yes. Observed: 1 variant allele.

Athena Diagnostics
Classification: Uncertain significance. Last evaluated: 2016-11-30. Review status: criteria provided, single submitter. Criteria: Athena Diagnostics Criteria. Collection method: clinical testing. Allele origin: germline.

Molecular Genetics Laboratory, London Health Sciences Centre
Classification: Uncertain significance for Charcot-Marie-Tooth disease. Review status: criteria provided, single submitter. Criteria: ACMG Guidelines, 2015. Collection method: clinical testing. Allele origin: germline. Affected: yes.

Literature cited by the submitters: PubMed 10439123 (cited by 4 submitters); PubMed 31371117 (cited by 4 submitters); PubMed 29875424 (cited by Mayo Clinic Laboratories, Mayo Clinic and Ambry Genetics); PubMed 30683924 (cited by Mayo Clinic Laboratories, Mayo Clinic); PubMed 32376792 (cited by Mayo Clinic Laboratories, Mayo Clinic); PubMed 33192475 (cited by Mayo Clinic Laboratories, Mayo Clinic); PubMed 34380564 (cited by Mayo Clinic Laboratories, Mayo Clinic and Women's Health and Genetics/Laboratory Corporation of America, LabCorp); PubMed 35903975 (cited by Mayo Clinic Laboratories, Mayo Clinic and Ambry Genetics).